The following is an entry in ClinVar:

NM_024301.5(FKRP):c.5G>A (p.Arg2Gln)

Gene: FKRP (fukutin related protein; plus strand). Cytogenetic location: 19q13.32.
Variant type: single nucleotide variant.
Coding change: c.5G>A on transcript NM_024301.5 (MANE Select); coding-DNA position 5, G replaced by A.
Protein change: p.Arg2Gln; replaces arginine 2 with glutamine.
Molecular consequence: missense variant.
Genome position (GRCh38, 1-based): chr19:46,755,455, G>A. VCF-style: chr19-46755455-G-A. GRCh37 (hg19) VCF-style: chr19-47258712-G-A.
Other names: c.5G>A, p.Arg2Gln (NM_001039885.3); short protein forms R2Q.
Identifiers: ClinVar variation 2148833 (VCV002148833.1), dbSNP rs1308459613, ClinGen allele CA406494479.

ClinVar aggregate classification (germline): Uncertain significance (1 of 4 stars; one submission).

Conditions:
Walker-Warburg congenital muscular dystrophy. Also called: Muscular dystrophy-dystroglycanopathy, type A; Walker-Warburg syndrome. Identifiers: Orphanet 899, MedGen C0265221, MONDO:0000171.

Allele frequency attached by ClinVar (database versions not stated): TOPMed below 0.00001; gnomAD 0.00001.
gnomAD v4.1: 4 of 1,605,376 alleles (0.00025%); highest among the groups gnomAD compares: African/African-American, 0.0013%; no homozygotes.

Submission:

Labcorp Genetics (formerly Invitae), Labcorp
Classification: Uncertain significance for Walker-Warburg congenital muscular dystrophy. Last evaluated: 2022-07-02. Review status: criteria provided, single submitter. Criteria: Invitae Variant Classification Sherloc (09022015). Collection method: clinical testing. Allele origin: germline.
Comment: This sequence change replaces arginine, which is basic and polar, with glutamine, which is neutral and polar, at codon 2 of the FKRP protein (p.Arg2Gln). This variant is present in population databases (no rsID available, gnomAD 0.003%). This variant has not been reported in the literature in individuals affected with FKRP-related conditions. Algorithms developed to predict the effect of missense changes on protein structure and function are either unavailable or do not agree on the potential impact of this missense change (SIFT: "Deleterious"; PolyPhen-2: "Probably Damaging"; Align-GVGD: "Class C0"). Algorithms developed to predict the effect of sequence changes on RNA splicing suggest that this variant may create or strengthen a splice site. In summary, the available evidence is currently insufficient to determine the role of this variant in disease. Therefore, it has been classified as a Variant of Uncertain Significance.